The following is an entry in ClinVar:

NM_002454.3(MTRR):c.1129C>T (p.Arg377Ter)

Gene: MTRR (5-methyltetrahydrofolate-homocysteine methyltransferase reductase; plus strand). Cytogenetic location: 5p15.31.
Variant type: single nucleotide variant.
Coding change: c.1129C>T on transcript NM_002454.3 (MANE Select); coding-DNA position 1129, C replaced by T.
Protein change: p.Arg377Ter; replaces arginine 377 with a stop codon.
Molecular consequence: nonsense. On other transcripts: non-coding transcript variant (12).
Genome position (GRCh38, 1-based): chr5:7,886,686, C>T. VCF-style: chr5-7886686-C-T. GRCh37 (hg19) VCF-style: chr5-7886799-C-T.
Other names: c.1129C>T, p.Arg377Ter (NM_001364440.2, NM_001364441.2, NM_001364442.2 and 1 more transcripts); short protein forms R377*.
Identifiers: ClinVar variation 1958969 (VCV001958969.8), dbSNP rs147960130, ClinGen allele CA113807219.

ClinVar aggregate classification (germline): Pathogenic/Likely pathogenic. Review status: criteria provided, multiple submitters, no conflicts (2 of 4 stars). 4 submissions from 4 submitters: Pathogenic (1); Likely pathogenic (3). Last evaluated 2024-01-28.

Conditions:
Methylcobalamin deficiency type cblE (HMAE). Also called: HOMOCYSTINURIA-MEGALOBLASTIC ANEMIA, cblE TYPE; VITAMIN B12-RESPONSIVE HOMOCYSTINURIA, cblE TYPE; HOMOCYSTINURIA-MEGALOBLASTIC ANEMIA, cblE COMPLEMENTATION TYPE. Identifiers: Orphanet 2169, Orphanet 622, MedGen C1856057, MONDO:0009354, OMIM 236270.
MTRR-related disorder. Also called: MTRR-related condition.
Neural tube defects, folate-sensitive (NTDFS). Also called: NTD, FOLATE-SENSITIVE. Identifiers: Orphanet 823, MedGen C1866558, MONDO:0011120, OMIM 601634.

Allele frequency attached by ClinVar (database versions not stated): gnomAD exomes 0.00001; TOPMed 0.00001; gnomAD 0.00002; ESP Exome Variant Server 0.00008.
gnomAD v4.1: 10 of 1,612,108 alleles (0.00062%); highest among the groups gnomAD compares: African/African-American, 0.0013%; no homozygotes.

Submissions (4):

Fulgent Genetics
Classification: Likely pathogenic for Methylcobalamin deficiency type cblE; Neural tube defects, folate-sensitive. Last evaluated: 2024-01-28. Review status: criteria provided, single submitter. Criteria: ACMG Guidelines, 2015. Collection method: clinical testing. Allele origin: germline.

Baylor Genetics
Classification: Likely pathogenic for Neural tube defects, folate-sensitive. Last evaluated: 2023-03-17. Review status: criteria provided, single submitter. Criteria: ACMG Guidelines, 2015. Collection method: clinical testing. Allele origin: unknown.

Labcorp Genetics (formerly Invitae), Labcorp
Classification: Pathogenic for Methylcobalamin deficiency type cblE. Last evaluated: 2023-01-08. Review status: criteria provided, single submitter. Criteria: Invitae Variant Classification Sherloc (09022015). Collection method: clinical testing. Allele origin: germline.
Comment: For these reasons, this variant has been classified as Pathogenic. Algorithms developed to predict the effect of sequence changes on RNA splicing suggest that this variant may disrupt the consensus splice site. This variant has not been reported in the literature in individuals affected with MTRR-related conditions. This variant is not present in population databases (gnomAD no frequency). This sequence change creates a premature translational stop signal (p.Arg377*) in the MTRR gene. It is expected to result in an absent or disrupted protein product. Loss-of-function variants in MTRR are known to be pathogenic (PMID: 15714522).

Blueprint Genetics
Classification: Likely pathogenic for MTRR-related disorders. Last evaluated: 2020-04-17. Review status: criteria provided, single submitter. Criteria: ACMG Guidelines, 2015. Collection method: clinical testing. Allele origin: germline. Affected: yes. Observed: 3 variant alleles.

Literature cited by the submitters: PubMed 15714522 (cited by Labcorp Genetics (formerly Invitae), Labcorp).